The following is an entry in ClinVar:

NM_178857.6(RP1L1):c.4769C>A (p.Pro1590His)

Gene: RP1L1 (RP1 like 1). Cytogenetic location: 8p23.1.
Variant type: single nucleotide variant.
Coding change: c.4769C>A on transcript NM_178857.6 (MANE Select); coding-DNA position 4769, C replaced by A.
Protein change: p.Pro1590His; replaces proline 1590 with histidine.
Molecular consequence: missense variant.
Genome position (GRCh38, 1-based): chr8:10,609,329, G>T on the plus strand (C>A on the coding strand, the complement: RP1L1 is on the minus strand). VCF-style: chr8-10609329-G-T. GRCh37 (hg19) VCF-style: chr8-10466839-G-T.
Other names: c.4769C>A (NM_178857.5); short protein forms P1590H.
Identifiers: ClinVar variation 444737 (VCV000444737.46), dbSNP rs372867998, ClinGen allele CA4623896.

ClinVar aggregate classification (germline): Uncertain significance. Review status: criteria provided, multiple submitters, no conflicts (2 of 4 stars). 4 submissions from 4 submitters: Uncertain significance (4). Last evaluated 2025-04-03.

Conditions:
RP1L1-related disorder. Also called: RP1L1-related condition.
Occult macular dystrophy (OCMD). Also called: OMD; OCCULT MACULAR DYSTROPHY, SUSCEPTIBILITY TO. Identifiers: Orphanet 247834, MedGen C3150833, MONDO:0013316, OMIM 613587, HP:0030636.
Retinitis pigmentosa 88. Identifiers: MedGen C5394208, MONDO:0032940, OMIM 618826.

Allele frequency attached by ClinVar (database versions not stated): TOPMed 0.00006; ESP Exome Variant Server 0.00016.
gnomAD v4.1: 51 of 1,611,944 alleles (0.0032%); highest among the groups gnomAD compares: Admixed American, 0.023%; no homozygotes.

Submissions (4):

PreventionGenetics, part of Exact Sciences
Classification: Uncertain significance for RP1L1-related condition. Last evaluated: 2025-04-03. Review status: criteria provided, single submitter. Criteria: ACMG Guidelines, 2015. Collection method: clinical testing. Allele origin: germline.
Comment: The RP1L1 c.4769C>A variant is predicted to result in the amino acid substitution p.Pro1590His. To our knowledge, this variant has not been reported in the literature. This variant is reported in 0.023% of alleles in individuals of Latino descent in gnomAD. At this time, the clinical significance of this variant is uncertain due to the absence of conclusive functional and genetic evidence.

Blueprint Genetics
Classification: Uncertain significance. Last evaluated: 2022-06-30. Review status: criteria provided, single submitter. Criteria: ACMG Guidelines, 2015. Collection method: clinical testing. Allele origin: germline.

Department of Pathology and Laboratory Medicine, Sinai Health System
Classification: Uncertain significance for Occult macular dystrophy; Retinitis pigmentosa 88. Last evaluated: 2022-05-27. Review status: criteria provided, single submitter. Criteria: ACMG Guidelines, 2015. Collection method: research. Allele origin: germline.

CeGaT Center for Human Genetics Tuebingen
Classification: Uncertain significance. Last evaluated: 2017-06-01. Review status: criteria provided, single submitter. Criteria: CeGaT Center For Human Genetics Tuebingen Variant Classification Criteria Version 2. Collection method: clinical testing. Allele origin: germline. Affected: yes. Observed: 1 variant allele.